The following is an entry in ClinVar:

ClinVar aggregate classification (germline): Uncertain significance. Review status: criteria provided, multiple submitters, no conflicts (2 of 4 stars). 2 submissions from 2 submitters: Uncertain significance (2). Last evaluated 2022-10-17.

Conditions:
Congenital disorder of glycosylation, type Iaa. Also called: Congenital disorder of glycosylation, type 1aa. Identifiers: MedGen C4310727, MONDO:0014904, OMIM 617082.

Allele frequency attached by ClinVar (database versions not stated): gnomAD 0.00003; TOPMed 0.00001.

Submissions (2):

Labcorp Genetics (formerly Invitae), Labcorp
Classification: Uncertain significance for Congenital disorder of glycosylation, type Iaa. Last evaluated: 2022-10-17. Review status: criteria provided, single submitter. Criteria: Invitae Variant Classification Sherloc (09022015). Collection method: clinical testing. Allele origin: germline.
Comment: In summary, the available evidence is currently insufficient to determine the role of this variant in disease. Therefore, it has been classified as a Variant of Uncertain Significance. Algorithms developed to predict the effect of missense changes on protein structure and function (SIFT, PolyPhen-2, Align-GVGD) all suggest that this variant is likely to be tolerated. ClinVar contains an entry for this variant (Variation ID: 1404647). This variant has not been reported in the literature in individuals affected with NUS1-related conditions. This variant is not present in population databases (gnomAD no frequency). This sequence change replaces methionine, which is neutral and non-polar, with valine, which is neutral and non-polar, at codon 149 of the NUS1 protein (p.Met149Val).

Revvity Omics, Revvity
Classification: Uncertain significance. Last evaluated: 2022-04-21. Review status: criteria provided, single submitter. Criteria: ACMG Guidelines, 2015. Collection method: clinical testing. Allele origin: germline.

NM_138459.5(NUS1):c.445A>G (p.Met149Val)

Gene: NUS1 (NUS1 dehydrodolichyl diphosphate synthase subunit; plus strand). Cytogenetic location: 6q22.1.
Variant type: single nucleotide variant.
Coding change: c.445A>G on transcript NM_138459.5 (MANE Select); coding-DNA position 445, A replaced by G.
Protein change: p.Met149Val; replaces methionine 149 with valine.
Molecular consequence: missense variant.
Genome position (GRCh38, 1-based): chr6:117,693,071, A>G. VCF-style: chr6-117693071-A-G. GRCh37 (hg19) VCF-style: chr6-118014234-A-G.
Other names: short protein forms M149V.
Identifiers: ClinVar variation 1404647 (VCV001404647.8), dbSNP rs1276753307, ClinGen allele CA365536666.
Genomic context (GRCh38, chr6:117,693,071, plus strand): 5'-TGTGTTTTACTTGCCTTTTTCTTTTTTAAAGGTATTTTCAAAAGAAATAATTCCAGATTG[A>G]TGGATGAAATTTTAAAACAACAGCAAGAACTTCTGGGCCTAGATTGTTCAAAATACTCAC-3'
Protein context (NP_612468.1, residues 139-159): GIFKRNNSRL[Met149Val]DEILKQQQEL